The following is an entry in ClinVar:

ClinVar aggregate classification (germline): Uncertain significance (1 of 4 stars; one submission).

Conditions:
Cardiovascular phenotype. Identifiers: MedGen CN230736.

Allele frequency attached by ClinVar (database versions not stated): TOPMed below 0.00001; gnomAD 0.00001.
gnomAD v4.1: 1 of 1,549,444 alleles (0.000065%); highest among the groups gnomAD compares: Non-Finnish European, 0.000087%; no homozygotes.

Submission:

Ambry Genetics
Classification: Uncertain significance for Cardiovascular phenotype. Last evaluated: 2023-07-05. Review status: criteria provided, single submitter. Criteria: Ambry Variant Classification Scheme 2023. Collection method: clinical testing. Allele origin: germline.
Comment: The p.D2073N variant (also known as c.6217G>A), located in coding exon 2 of the ZNF469 gene, results from a G to A substitution at nucleotide position 6217. The aspartic acid at codon 2073 is replaced by asparagine, an amino acid with highly similar properties. This amino acid position is conserved. In addition, this alteration is predicted to be tolerated by in silico analysis. Since supporting evidence is limited at this time, the clinical significance of this alteration remains unclear.

NM_001367624.2(ZNF469):c.6301G>A (p.Asp2101Asn)

Gene: ZNF469 (zinc finger protein 469; plus strand). Cytogenetic location: 16q24.2.
Variant type: single nucleotide variant.
Coding change: c.6301G>A on transcript NM_001367624.2 (MANE Select); coding-DNA position 6301, G replaced by A.
Protein change: p.Asp2101Asn; replaces aspartic acid 2101 with asparagine.
Molecular consequence: missense variant.
Genome position (GRCh38, 1-based): chr16:88,433,771, G>A. VCF-style: chr16-88433771-G-A. GRCh37 (hg19) VCF-style: chr16-88500179-G-A.
Other names: NM_001127464.1:c.6217G>A; short protein forms D2101N.
Identifiers: ClinVar variation 2626116 (VCV002626116.2), dbSNP rs1906368224, ClinGen allele CA397105257.
Genomic context (GRCh38, chr16:88,433,771, plus strand): 5'-GGCCGGACTCCAGAGAGGGCGTCCAGCCCCGGCCTGAACAAGCCACTGCTGGCCACAGGG[G>A]ATAGCCCAGCACCCTCTGTCGGGGACCTGGCCGCCTGCGCCCCCTCACCCACTTCAGCCG-3'
Protein context (NP_001354553.1, residues 2091-2111): GLNKPLLATG[Asp2101Asn]SPAPSVGDLA